The following is an entry in ClinVar:

ClinVar aggregate classification (germline): Uncertain significance (1 of 4 stars; one submission).

gnomAD v4.1: 3 of 1,613,326 alleles (0.00019%); highest among the groups gnomAD compares: Non-Finnish European, 0.00025%; no homozygotes.

Submission:

GeneDx
Classification: Uncertain significance. Last evaluated: 2023-06-16. Review status: criteria provided, single submitter. Criteria: GeneDx Variant Classification Process June 2021. Collection method: clinical testing. Allele origin: germline. Affected: yes.
Comment: Not observed at significant frequency in large population cohorts (gnomAD); In silico analysis supports that this missense variant does not alter protein structure/function; Has not been previously published as pathogenic or benign to our knowledge

NM_016938.5(EFEMP2):c.509A>T (p.Tyr170Phe)

Gene: EFEMP2 (EGF containing fibulin extracellular matrix protein 2; minus strand). Cytogenetic location: 11q13.1.
Variant type: single nucleotide variant.
Coding change: c.509A>T on transcript NM_016938.5 (MANE Select); coding-DNA position 509, A replaced by T.
Protein change: p.Tyr170Phe; replaces tyrosine 170 with phenylalanine.
Molecular consequence: missense variant. On other transcripts: non-coding transcript variant (1).
Genome position (GRCh38, 1-based): chr11:65,870,219, T>A on the plus strand (A>T on the coding strand, the complement: EFEMP2 is on the minus strand). VCF-style: chr11-65870219-T-A. GRCh37 (hg19) VCF-style: chr11-65637690-T-A.
Other names: short protein forms Y170F.
Identifiers: ClinVar variation 3252904 (VCV003252904.1), dbSNP rs1247980345.